The following is an entry in ClinVar:

ClinVar aggregate classification (germline): Uncertain significance (1 of 4 stars; one submission).

gnomAD v4.1: 8 of 1,613,756 alleles (0.0005%); highest among the groups gnomAD compares: East Asian, 0.0022%; no homozygotes.

Submission:

Labcorp Genetics (formerly Invitae), Labcorp
Classification: Uncertain significance. Last evaluated: 2024-06-26. Review status: criteria provided, single submitter. Criteria: Invitae Variant Classification Sherloc (09022015). Collection method: clinical testing. Allele origin: germline.
Comment: This sequence change replaces glycine, which is neutral and non-polar, with serine, which is neutral and polar, at codon 1215 of the FN1 protein (p.Gly1215Ser). The frequency data for this variant in the population databases is considered unreliable, as metrics indicate poor data quality at this position in the gnomAD database. This variant has not been reported in the literature in individuals affected with FN1-related conditions. Advanced modeling of protein sequence and biophysical properties (such as structural, functional, and spatial information, amino acid conservation, physicochemical variation, residue mobility, and thermodynamic stability) has been performed at Invitae for this missense variant, however the output from this modeling did not meet the statistical confidence thresholds required to predict the impact of this variant on FN1 protein function. In summary, the available evidence is currently insufficient to determine the role of this variant in disease. Therefore, it has been classified as a Variant of Uncertain Significance.

NM_212482.4(FN1):c.3643G>A (p.Gly1215Ser)

Gene: FN1 (fibronectin 1; minus strand). Cytogenetic location: 2q35.
Variant type: single nucleotide variant.
Coding change: c.3643G>A on transcript NM_212482.4 (MANE Select); coding-DNA position 3643, G replaced by A.
Protein change: p.Gly1215Ser; replaces glycine 1215 with serine.
Molecular consequence: missense variant.
Genome position (GRCh38, 1-based): chr2:215,394,681, C>T on the plus strand (G>A on the coding strand, the complement: FN1 is on the minus strand). VCF-style: chr2-215394681-C-T. GRCh37 (hg19) VCF-style: chr2-216259404-C-T.
Other names: c.3643G>A, p.Gly1215Ser (NM_001365522.2, NM_001365523.2, NM_001365524.2 and 13 more transcripts); short protein forms G1215S.
Identifiers: ClinVar variation 3720407 (VCV003720407.2).